The following is an entry in ClinVar:

NM_003620.4(PPM1D):c.1806_1809del (p.Cys603fs)

Gene: PPM1D (protein phosphatase, Mg2+/Mn2+ dependent 1D; plus strand). Cytogenetic location: 17q23.2.
Variant type: Deletion.
Coding change: c.1806_1809del on transcript NM_003620.4 (MANE Select); coding-DNA positions 1806 to 1809, 4 bases deleted (TTGT; older notation c.1806_1809delTTGT).
Protein change: p.Cys603fs; shifts the reading frame from cysteine 603.
Molecular consequence: frameshift variant.
Genome position (GRCh38, 1-based): chr17:60,663,540-60,663,543, TTGT deleted; deleting any 4 consecutive bases within chr17:60,663,537-60,663,543 gives the same sequence; the c. name uses the placement nearest the transcript's 3' end. VCF-style (leftmost placement, unchanged base first): chr17-60663536-CTGTT-C. GRCh37 (hg19) VCF-style: chr17-58740897-CTGTT-C.
Other names: short protein forms C603fs.
Identifiers: ClinVar variation 2647994 (VCV002647994.24), dbSNP rs745470366, ClinGen allele CA8687870.
Genomic context (GRCh38, chr17:60,663,536, plus strand): 5'-GACGCAGACTTAGGGGCCAGAAGAAAATTGGAAATCCTTTACTTCATCAACACAGGAAAA[CTGTT>C]TGTGTTTGCTGAAATGCATCTGGGAAATGAGGTTTTTCCAAACTTAGGATATAAGAGGGC-3'

ClinVar aggregate classification (germline): Uncertain significance (1 of 4 stars; one submission).

Submission:

CeGaT Center for Human Genetics Tuebingen
Classification: Uncertain significance. Last evaluated: 2023-05-01. Review status: criteria provided, single submitter. Criteria: CeGaT Center For Human Genetics Tuebingen Variant Classification Criteria Version 2. Collection method: clinical testing. Allele origin: germline. Affected: yes. Observed: 1 variant allele.
Comment: PPM1D: PVS1:Moderate